The following is an entry in ClinVar:

NM_032242.4(PLXNA1):c.4883G>A (p.Arg1628His)

Gene: PLXNA1 (plexin A1; plus strand). Cytogenetic location: 3q21.3.
Variant type: single nucleotide variant.
Coding change: c.4883G>A on transcript NM_032242.4 (MANE Select); coding-DNA position 4883, G replaced by A.
Protein change: p.Arg1628His; replaces arginine 1628 with histidine.
Molecular consequence: missense variant.
Genome position (GRCh38, 1-based): chr3:127,029,886, G>A. VCF-style: chr3-127029886-G-A. GRCh37 (hg19) VCF-style: chr3-126748729-G-A.
Other names: short protein forms R1628H.
Identifiers: ClinVar variation 4982982 (VCV004982982.1).

ClinVar aggregate classification (germline): Uncertain significance (1 of 4 stars; one submission).

Conditions:
PLXNA1-related disorder. Also called: PLXNA1-related condition.

gnomAD v4.1: 11 of 1,609,452 alleles (0.00068%); highest among the groups gnomAD compares: Middle Eastern, 0.017%; no homozygotes.

Submission:

PreventionGenetics, part of Exact Sciences
Classification: Uncertain significance for PLXNA1-related condition. Last evaluated: 2025-10-17. Review status: criteria provided, single submitter. Criteria: ACMG Guidelines, 2015. Collection method: clinical testing. Allele origin: germline.
Comment: The PLXNA1 c.4883G>A variant is predicted to result in the amino acid substitution p.Arg1628His. This variant was reported in an individual with Parkinson disease, however functional information was not provided (Supplementary Table 1, Li et al. 2023. PubMed ID: 37397528). This variant is not reported in gnomAD indicating that it is rare. At this time, the clinical significance of this variant is uncertain due to the absence of conclusive functional and genetic evidence.